The following continues an entry in ClinVar:

NM_007294.4(BRCA1):c.5137del (p.Trp1712_Val1713insTer)

Gene: BRCA1. ClinVar aggregate classification (germline): Pathogenic. Pathogenic (1).

Submissions 9 to 22 of 22:

GeneDx
Classification: Pathogenic. Last evaluated: 2023-09-06. Review status: criteria provided, single submitter. Criteria: GeneDx Variant Classification Process June 2021. Collection method: clinical testing. Allele origin: germline. Affected: yes. Not counted in ClinVar's aggregate classification.
Comment: Nonsense variant predicted to result in protein truncation or nonsense mediated decay in a gene for which loss-of-function is a known mechanism of disease; Observed in individuals with BRCA1-related cancers (Struewing et al., 1995; Meindl et al., 2002; Monnerat et al., 2007; Lee et al., 2011; Kluska et al., 2015; Tung et al., 2016; Weren et al., 2016; Chan et al., 2018); Not observed at significant frequency in large population cohorts (gnomAD); Truncating variants in this gene are considered pathogenic by a well-established clinical consortium and/or database; Also known as 5135delG, 5254delG, and 5256delG; This variant is associated with the following publications: (PMID: 22010008, 27767231, 17624602, 16267036, 25948282, 26843898, 28152038, 26976419, 30093976, 11802209, 7611277, 29625052, 30875412, 30787465, 26689913, 28888541, 29922827, 11597388, 15026808)

Baylor Genetics
Classification: Pathogenic for Breast-ovarian cancer, familial, susceptibility to, 1. Last evaluated: 2023-08-10. Review status: criteria provided, single submitter. Criteria: ACMG Guidelines, 2015. Collection method: clinical testing. Allele origin: unknown. Not counted in ClinVar's aggregate classification.

Mayo Clinic Laboratories, Mayo Clinic
Classification: Pathogenic. Last evaluated: 2022-03-08. Review status: criteria provided, single submitter. Criteria: ACMG Guidelines, 2015. Collection method: clinical testing. Allele origin: germline. Observed: 1 variant allele. Not counted in ClinVar's aggregate classification.
Comment: PP5, PM2, PVS1

Women's Health and Genetics/Laboratory Corporation of America, LabCorp
Classification: Pathogenic for Hereditary breast and ovarian cancer syndrome. Last evaluated: 2020-12-15. Review status: criteria provided, single submitter. Criteria: LabCorp Variant Classification Summary - May 2015. Collection method: clinical testing. Allele origin: germline. Not counted in ClinVar's aggregate classification.
Comment: Variant summary: BRCA1 c.5137delG (p.Val1713X) results in a premature termination codon, predicted to cause a truncation of the encoded protein or absence of the protein due to nonsense mediated decay, which are commonly known mechanisms for disease. Truncations downstream of this position have been classified as pathogenic by our laboratory. The variant allele was found at a frequency of 4e-06 in 251322 control chromosomes (gnomAD). c.5137delG has been reported in the literature in multiple individuals affected with Hereditary Breast And Ovarian Cancer Syndrome (e.g. Struewing_1995, Vaziri_2001, Verhoog_2001, Judkins_2005, Couch_2015, Kluska_2015). These data indicate that the variant is very likely to be associated with disease. To our knowledge, no experimental evidence demonstrating an impact on protein function has been reported. Ten other clinical diagnostic laboratories have submitted clinical-significance assessments for this variant to ClinVar after 2014 without evidence for independent evaluation. All laboratories cited the variant as pathogenic. Based on the evidence outlined above, the variant was classified as pathogenic.

Institute for Biomarker Research, Medical Diagnostic Laboratories, L.L.C.
Classification: Pathogenic for Hereditary cancer-predisposing syndrome. Last evaluated: 2017-07-12. Review status: criteria provided, single submitter. Criteria: ACMG Guidelines, 2015. Collection method: clinical testing. Allele origin: germline. Not counted in ClinVar's aggregate classification.

Laboratory for Molecular Medicine, Mass General Brigham Personalized Medicine
Classification: Pathogenic for Hereditary breast ovarian cancer syndrome. Last evaluated: 2017-03-01. Review status: criteria provided, single submitter. Criteria: LMM Criteria. Collection method: clinical testing. Allele origin: germline. Inheritance: Autosomal dominant inheritance. Observed: 2 variant alleles. Not counted in ClinVar's aggregate classification.
Comment: The p.Val1713X variant in BRCA1 has been reported in >15 individuals with BRCA1- associated cancers and segregated with disease in >7 affected relatives (Struewi ng 1995, Monnerat 2007, Breast Cancer Information Core (BIC) database). It was a lso identified in 1/66198 European chromosomes by the Exome Aggregation Consorti um (ExAC; dbSNP rs80357997); however, this frequ ency is low enough to be consistent with the frequency of hereditary breast and ovarian cancer (HBOC) in the general population. This variant is a deletion of a single nucleotide, which generates a premature termination codon at position 17 13, which is predicted to lead to a truncated or absent protein. Heterozygous lo ss of function of the BRCA1 gene is an established disease mechanism in HBOC. Fu rthermore, this variant was classified as Pathogenic on September 8, 2016 by the ClinGen-approved ENIGMA expert panel (ClinVar SCV000300209.2). In summary, this variant meets criteria to be classified as pathogenic for HBOC in an autosomal dominant manner.

Consortium of Investigators of Modifiers of BRCA1/2 (CIMBA), c/o University of Cambridge
Classification: Pathogenic for Breast-ovarian cancer, familial, susceptibility to, 1. Last evaluated: 2015-10-02. Review status: criteria provided, single submitter. Criteria: CIMBA Mutation Classification guidelines May 2016. Collection method: clinical testing. Allele origin: germline. Not counted in ClinVar's aggregate classification.

Clinical Genetics DNA and cytogenetics Diagnostics Lab, Erasmus MC, Erasmus Medical Center
Classification: Pathogenic for Breast-ovarian cancer, familial, susceptibility to, 1. Last evaluated: 2015-09-21. Review status: criteria provided, single submitter. Criteria: ACGS Guidelines, 2013. Collection method: clinical testing. Allele origin: germline. Affected: yes. Study: VKGL Data-share Consensus. Not counted in ClinVar's aggregate classification.

Counsyl
Classification: Pathogenic for Breast-ovarian cancer, familial, susceptibility to, 1. Last evaluated: 2015-09-29. Review status: no assertion criteria provided. Collection method: clinical testing. Allele origin: unknown. Not counted in ClinVar's aggregate classification.

Research Molecular Genetics Laboratory, Women's College Hospital, University of Toronto
Classification: Pathogenic for Hereditary breast ovarian cancer syndrome. Last evaluated: 2014-01-31. Review status: no assertion criteria provided. Collection method: research. Allele origin: germline. Affected: yes. Study: The Canadian Open Genetics Repository (COGR). Not counted in ClinVar's aggregate classification.

Sharing Clinical Reports Project (SCRP)
Classification: Pathogenic for Breast-ovarian cancer, familial 1. Last evaluated: 2012-05-01. Review status: no assertion criteria provided. Collection method: clinical testing. Allele origin: germline. Not counted in ClinVar's aggregate classification.

Breast Cancer Information Core (BIC) (BRCA1)
Classification: Pathogenic for Breast-ovarian cancer, familial 1. Last evaluated: 2002-05-29. Review status: no assertion criteria provided. Collection method: clinical testing. Allele origin: germline. Affected: yes. Observed: 19 variant alleles. Not counted in ClinVar's aggregate classification.

Department of Pathology and Laboratory Medicine, Sinai Health System
Classification: Uncertain significance for Malignant tumor of breast. Review status: no assertion criteria provided. Collection method: clinical testing. Allele origin: unknown. Affected: yes. Observed: 2 variant alleles. Study: The Canadian Open Genetics Repository (COGR). Not counted in ClinVar's aggregate classification.

Diagnostic Laboratory, Department of Genetics, University Medical Center Groningen
Classification: Pathogenic for Breast-ovarian cancer, familial, susceptibility to, 1. Review status: no assertion criteria provided. Collection method: clinical testing. Allele origin: germline. Affected: yes. Study: VKGL Data-share Consensus. Not counted in ClinVar's aggregate classification.

Literature cited by the submitters: PubMed 20104584 (cited by Labcorp Genetics (formerly Invitae), Labcorp); PubMed 7611277 (cited by 7 submitters); PubMed 16683254 (cited by 5 submitters); PubMed 25948282 (cited by 8 submitters); PubMed 26976419 (cited by 5 submitters); PubMed 27767231 (cited by 5 submitters); PubMed 36451132 (cited by Quest Diagnostics Nichols Institute San Juan Capistrano); PubMed 23192404 (cited by 4 submitters); PubMed 17624602 (cited by 5 submitters); PubMed 23034506 (cited by Quest Diagnostics Nichols Institute San Juan Capistrano and Laboratory for Molecular Medicine, Mass General Brigham Personalized Medicine); PubMed 11597388 (cited by 3 submitters); PubMed 30093976 (cited by 3 submitters); PubMed 30875412 (cited by Quest Diagnostics Nichols Institute San Juan Capistrano); PubMed 26295337 (cited by Quest Diagnostics Nichols Institute San Juan Capistrano); PubMed 11139249 (cited by 4 submitters); PubMed 11802209 (cited by 3 submitters); PubMed 25452441 (cited by 3 submitters); PubMed 16267036 (cited by Women's Health and Genetics/Laboratory Corporation of America, LabCorp); PubMed 9715372 (cited by Laboratory for Molecular Medicine, Mass General Brigham Personalized Medicine); PubMed 27974384 (cited by Laboratory for Molecular Medicine, Mass General Brigham Personalized Medicine); PubMed 21765009 (cited by Laboratory for Molecular Medicine, Mass General Brigham Personalized Medicine); PubMed 21305653 (cited by Laboratory for Molecular Medicine, Mass General Brigham Personalized Medicine); PubMed 26843898 (cited by Laboratory for Molecular Medicine, Mass General Brigham Personalized Medicine).